The following is an entry in ClinVar:

NM_139318.5(KCNH5):c.2702T>C (p.Ile901Thr)

Gene: KCNH5 (potassium voltage-gated channel subfamily H member 5; minus strand). Cytogenetic location: 14q23.2.
Variant type: single nucleotide variant.
Coding change: c.2702T>C on transcript NM_139318.5 (MANE Select); coding-DNA position 2702, T replaced by C.
Protein change: p.Ile901Thr; replaces isoleucine 901 with threonine.
Molecular consequence: missense variant. On other transcripts: 3 prime UTR variant (1).
Genome position (GRCh38, 1-based): chr14:62,707,773, A>G on the plus strand (T>C on the coding strand, the complement: KCNH5 is on the minus strand). VCF-style: chr14-62707773-A-G. GRCh37 (hg19) VCF-style: chr14-63174491-A-G.
Other names: c.*669T>C (NM_172375.3); short protein forms I901T.
Identifiers: ClinVar variation 3683854 (VCV003683854.2).

ClinVar aggregate classification (germline): Uncertain significance (1 of 4 stars; one submission).

Conditions:
Early-infantile DEE. Also called: Ohtahara syndrome; Early infantile epileptic encephalopathy with suppression bursts; Early infantile epileptic encephalopathy. Identifiers: Orphanet 1934, MedGen C0393706, MONDO:0800491.

gnomAD v4.1: 1 of 1,614,030 alleles (0.000062%); highest among the groups gnomAD compares: Non-Finnish European, 0.000085%; no homozygotes.

Submission:

Labcorp Genetics (formerly Invitae), Labcorp
Classification: Uncertain significance for Early-infantile DEE. Last evaluated: 2024-07-29. Review status: criteria provided, single submitter. Criteria: Invitae Variant Classification Sherloc (09022015). Collection method: clinical testing. Allele origin: germline.
Comment: This sequence change replaces isoleucine, which is neutral and non-polar, with threonine, which is neutral and polar, at codon 901 of the KCNH5 protein (p.Ile901Thr). This variant is not present in population databases (gnomAD no frequency). This variant has not been reported in the literature in individuals affected with KCNH5-related conditions. Advanced modeling of protein sequence and biophysical properties (such as structural, functional, and spatial information, amino acid conservation, physicochemical variation, residue mobility, and thermodynamic stability) performed at Invitae indicates that this missense variant is not expected to disrupt KCNH5 protein function with a negative predictive value of 95%. In summary, the available evidence is currently insufficient to determine the role of this variant in disease. Therefore, it has been classified as a Variant of Uncertain Significance.